The following is an entry in ClinVar:

NM_002335.4(LRP5):c.2445C>T (p.Asp815=)

Gene: LRP5 (LDL receptor related protein 5; plus strand). Cytogenetic location: 11q13.2.
Variant type: single nucleotide variant.
Coding change: c.2445C>T on transcript NM_002335.4 (MANE Select); coding-DNA position 2445, C replaced by T.
Protein change: p.Asp815=; no amino-acid change (aspartic acid 815 retained).
Molecular consequence: synonymous variant.
Genome position (GRCh38, 1-based): chr11:68,411,562, C>T. VCF-style: chr11-68411562-C-T. GRCh37 (hg19) VCF-style: chr11-68179030-C-T.
Other names: c.702C>T, p.Asp234= (NM_001291902.2).
Identifiers: ClinVar variation 388288 (VCV000388288.47), dbSNP rs149080536, ClinGen allele CA6149637.

ClinVar aggregate classification (germline): Benign/Likely benign. Review status: criteria provided, multiple submitters, no conflicts (2 of 4 stars). 6 submissions from 6 submitters: Benign (1); Likely benign (2). 3 of the submissions do not count toward it. Last evaluated 2025-12-24.

Conditions:
LRP5-related disorder. Also called: LRP5-related condition.

Allele frequency attached by ClinVar (database versions not stated): gnomAD 0.00040 and 0.00046; TOPMed 0.00052; ExAC 0.00060; 1000 Genomes Project 30x 0.00031; ESP Exome Variant Server 0.00031; 1000 Genomes Project 0.00040.
gnomAD v4.1: 309 of 1,613,780 alleles (0.019%); highest among the groups gnomAD compares: Admixed American, 0.18%; 5 homozygotes.

Submissions (6):

Labcorp Genetics (formerly Invitae), Labcorp
Classification: Benign. Last evaluated: 2025-12-24. Review status: criteria provided, single submitter. Criteria: Invitae Variant Classification Sherloc (09022015). Collection method: clinical testing. Allele origin: germline.

CeGaT Center for Human Genetics Tuebingen
Classification: Likely benign. Last evaluated: 2021-03-01. Review status: criteria provided, single submitter. Criteria: CeGaT Center For Human Genetics Tuebingen Variant Classification Criteria Version 2. Collection method: clinical testing. Allele origin: germline. Affected: yes. Observed: 1 variant allele.

GeneDx
Classification: Likely benign. Last evaluated: 2016-07-25. Review status: criteria provided, single submitter. Criteria: GeneDx Variant Classification (06012015). Collection method: clinical testing. Allele origin: germline. Affected: yes.
Comment: This variant is considered likely benign or benign based on one or more of the following criteria: it is a conservative change, it occurs at a poorly conserved position in the protein, it is predicted to be benign by multiple in silico algorithms, and/or has population frequency not consistent with disease.

PreventionGenetics, part of Exact Sciences
Classification: Likely benign for LRP5-related condition. Last evaluated: 2020-03-10. Review status: no assertion criteria provided. Collection method: clinical testing. Allele origin: germline. Not counted in ClinVar's aggregate classification.
Comment: This variant is classified as likely benign based on ACMG/AMP sequence variant interpretation guidelines (Richards et al. 2015 PMID: 25741868, with internal and published modifications).

Clinical Genetics DNA and cytogenetics Diagnostics Lab, Erasmus MC, Erasmus Medical Center
Classification: Likely benign. Review status: no assertion criteria provided. Collection method: clinical testing. Allele origin: germline. Affected: yes. Study: VKGL Data-share Consensus. Not counted in ClinVar's aggregate classification.

Clinical Genetics, Academic Medical Center
Classification: Benign. Review status: no assertion criteria provided. Collection method: clinical testing. Allele origin: germline. Affected: yes. Study: VKGL Data-share Consensus. Not counted in ClinVar's aggregate classification.